The following is an entry in ClinVar:

ClinVar aggregate classification (germline): Pathogenic (1 of 4 stars; one submission).

Conditions:
Developmental and epileptic encephalopathy 94 (DEE94). Also called: CHD2-Related Neurodevelopmental Disorders; Epileptic encephalopathy, childhood-onset. Identifiers: Orphanet 1942, Orphanet 2382, MedGen C3809278, MONDO:0014150, OMIM 615369.

Submission:

Labcorp Genetics (formerly Invitae), Labcorp
Classification: Pathogenic for Developmental and epileptic encephalopathy 94. Last evaluated: 2024-02-23. Review status: criteria provided, single submitter. Criteria: Invitae Variant Classification Sherloc (09022015). Collection method: clinical testing. Allele origin: germline.
Comment: This sequence change creates a premature translational stop signal (p.Ser1435*) in the CHD2 gene. It is expected to result in an absent or disrupted protein product. Loss-of-function variants in CHD2 are known to be pathogenic (PMID: 23708187, 24207121). This variant is not present in population databases (gnomAD no frequency). This variant has not been reported in the literature in individuals affected with CHD2-related conditions. ClinVar contains an entry for this variant (Variation ID: 1365520). Algorithms developed to predict the effect of sequence changes on RNA splicing suggest that this variant may disrupt the consensus splice site. For these reasons, this variant has been classified as Pathogenic.

Literature cited by the submitters: PubMed 23708187; PubMed 24207121.

NM_001271.4(CHD2):c.4304del (p.Ser1434_Ser1435insTer)

Gene: CHD2 (chromodomain helicase DNA binding protein 2; plus strand). Cytogenetic location: 15q26.1.
Variant type: Deletion.
Coding change: c.4304del on transcript NM_001271.4 (MANE Select); coding-DNA position 4304, one base deleted (C; older notation c.4304delC).
Protein change: p.Ser1434_Ser1435insTer.
Molecular consequence: nonsense.
Genome position (GRCh38, 1-based): chr15:93,004,642, C deleted. VCF-style (leftmost placement, unchanged base first): chr15-93004641-TC-T. GRCh37 (hg19) VCF-style: chr15-93547871-TC-T.
Identifiers: ClinVar variation 1365520 (VCV001365520.6), dbSNP rs2141876515, ClinGen allele CA2573151326.